The following is an entry in ClinVar:

ClinVar aggregate classification (germline): Uncertain significance (1 of 4 stars; one submission).

gnomAD v4.1: 9 of 1,612,980 alleles (0.00056%); highest among the groups gnomAD compares: South Asian, 0.0099%; no homozygotes.

Submission:

GeneDx
Classification: Uncertain significance. Last evaluated: 2026-03-14. Review status: criteria provided, single submitter. Criteria: GeneDx Variant Classification Process June 2021. Collection method: clinical testing. Allele origin: germline.
Comment: In silico analysis supports that this missense variant has a deleterious effect on protein structure/function; Has not been previously published as pathogenic or benign to our knowledge; This variant is associated with the following publications: (PMID: 21139634, 26094131)

NM_014946.4(SPAST):c.231G>C (p.Trp77Cys)

Gene: SPAST (spastin; plus strand). Cytogenetic location: 2p22.3.
Variant type: single nucleotide variant.
Coding change: c.231G>C on transcript NM_014946.4 (MANE Select); coding-DNA position 231, G replaced by C.
Protein change: p.Trp77Cys; replaces tryptophan 77 with cysteine.
Molecular consequence: missense variant.
Genome position (GRCh38, 1-based): chr2:32,064,062, G>C. VCF-style: chr2-32064062-G-C. GRCh37 (hg19) VCF-style: chr2-32289131-G-C.
Other names: c.231G>C, p.Trp77Cys (NM_001363823.2, NM_001363875.2, NM_001377959.1 and 1 more transcripts); short protein forms W77C.
Identifiers: ClinVar variation 5007965 (VCV005007965.1).